The following is an entry in ClinVar:

NM_023110.3(FGFR1):c.662T>A (p.Val221Glu)

Gene: FGFR1 (fibroblast growth factor receptor 1; minus strand). Cytogenetic location: 8p11.23.
Variant type: single nucleotide variant.
Coding change: c.662T>A on transcript NM_023110.3 (MANE Select); coding-DNA position 662, T replaced by A.
Protein change: p.Val221Glu; replaces valine 221 with glutamic acid.
Molecular consequence: missense variant.
Genome position (GRCh38, 1-based): chr8:38,426,205, A>T on the plus strand (T>A on the coding strand, the complement: FGFR1 is on the minus strand). VCF-style: chr8-38426205-A-T. GRCh37 (hg19) VCF-style: chr8-38283723-A-T.
Other names: c.662T>A, p.Val221Glu (NM_000604.2, NM_001174063.2); c.638T>A, p.Val213Glu (NM_001174064.2); c.656T>A, p.Val219Glu (NM_001174065.2, NM_001354367.2, NM_001354369.2 and 2 more transcripts); c.395T>A, p.Val132Glu (NM_001174066.2, NM_023105.3); c.755T>A, p.Val252Glu (NM_001174067.2); c.389T>A, p.Val130Glu (NM_001354368.2, NM_001354370.2, NM_023106.3); short protein forms V219E, V130E, V213E, V221E, V132E, V252E.
Identifiers: ClinVar variation 2953124 (VCV002953124.3), dbSNP rs2537140135, ClinGen allele CA370735387.

ClinVar aggregate classification (germline): Uncertain significance (1 of 4 stars; one submission).

Conditions:
Pfeiffer syndrome (ACS5). Also called: ACS V. Identifiers: Orphanet 710, MedGen C0220658, MONDO:0007043, OMIM 101600.
Hypogonadotropic hypogonadism 2 with or without anosmia (HH2). Also called: FGFR1-Related GnRH Deficiency (Kallmann Syndrome 2); HYPOGONADOTROPIC HYPOGONADISM 2 WITHOUT ANOSMIA; HYPOGONADOTROPIC HYPOGONADISM 2 WITH OR WITHOUT ANOSMIA, SUSCEPTIBILITY TO; HYPOGONADOTROPIC HYPOGONADISM 2 WITHOUT ANOSMIA, SUSCEPTIBILITY TO. Identifiers: Orphanet 478, MedGen C1563720, MONDO:0007844, OMIM 147950. Disease mechanism: loss of function.

Submission:

Labcorp Genetics (formerly Invitae), Labcorp
Classification: Uncertain significance for Pfeiffer syndrome; Hypogonadotropic hypogonadism 2 with or without anosmia. Last evaluated: 2023-11-10. Review status: criteria provided, single submitter. Criteria: Invitae Variant Classification Sherloc (09022015). Collection method: clinical testing. Allele origin: germline.
Comment: This sequence change replaces valine, which is neutral and non-polar, with glutamic acid, which is acidic and polar, at codon 221 of the FGFR1 protein (p.Val221Glu). This variant is not present in population databases (gnomAD no frequency). This variant has not been reported in the literature in individuals affected with FGFR1-related conditions. Advanced modeling of protein sequence and biophysical properties (such as structural, functional, and spatial information, amino acid conservation, physicochemical variation, residue mobility, and thermodynamic stability) has been performed at Invitae for this missense variant, however the output from this modeling did not meet the statistical confidence thresholds required to predict the impact of this variant on FGFR1 protein function. In summary, the available evidence is currently insufficient to determine the role of this variant in disease. Therefore, it has been classified as a Variant of Uncertain Significance.